The following is an entry in ClinVar:

NM_001378743.1(CYLD):c.2569C>T (p.Gln857Ter)

Genes: CYLD-AS2 (CYLD antisense RNA 2; minus strand), CYLD (CYLD lysine 63 deubiquitinase; plus strand). Cytogenetic location: 16q12.1.
Variant type: single nucleotide variant.
Coding change: c.2569C>T on transcript NM_001378743.1 (MANE Select); coding-DNA position 2569, C replaced by T.
Protein change: p.Gln857Ter; replaces glutamine 857 with a stop codon.
Molecular consequence: nonsense. On other transcripts: non-coding transcript variant (1).
Genome position (GRCh38, 1-based): chr16:50,794,311, C>T. VCF-style: chr16-50794311-C-T. GRCh37 (hg19) VCF-style: chr16-50828222-C-T.
Other names: c.2560C>T, p.Gln854Ter (NM_001042355.2, NM_001042412.3, NM_001378744.1 and 6 more transcripts); c.2530C>T, p.Gln844Ter (NM_001378751.1, NM_001378752.1, NM_001378753.1); c.1894C>T, p.Gln632Ter (NM_001378754.1, NM_001378755.1); c.2569C>T, p.Gln857Ter (NM_015247.3); short protein forms Q857*, Q854*, Q632*, Q844*.
Identifiers: ClinVar variation 267255 (VCV000267255.1), dbSNP rs886040894, ClinGen allele CA10590092.

ClinVar aggregate classification (germline): Pathogenic (1 of 4 stars; one submission).

Conditions:
Familial cylindromatosis. Also called: ANCELL-SPIEGLER CYLINDROMAS; Turban tumor syndrome. Identifiers: Orphanet 211, Orphanet 79493, MedGen C1851526, MONDO:0007565, OMIM 132700.

Submission:

Genomic Diagnostic Laboratory, Division of Genomic Diagnostics, Children's Hospital of Philadelphia
Classification: Pathogenic for Cylindromatosis, familial. Last evaluated: 2016-09-23. Review status: criteria provided, single submitter. Criteria: DGD Variant Analysis Guidelines. Collection method: clinical testing. Allele origin: germline. Affected: yes. Observed: 1 variant allele.
Comment: Clinical Testing